The following is an entry in ClinVar:

ClinVar aggregate classification (germline): Likely benign (1 of 4 stars; one submission).

Allele frequency attached by ClinVar (database versions not stated): gnomAD exomes 0.00010; ExAC 0.00030; 1000 Genomes Project 30x 0.00062; TOPMed 0.00065; gnomAD 0.00066; ESP Exome Variant Server 0.00077; 1000 Genomes Project 0.00080.
gnomAD v4.1: 249 of 1,614,046 alleles (0.015%); highest among the groups gnomAD compares: African/African-American, 0.24%; no homozygotes.

Submission:

CeGaT Center for Human Genetics Tuebingen
Classification: Likely benign. Last evaluated: 2023-04-01. Review status: criteria provided, single submitter. Criteria: CeGaT Center For Human Genetics Tuebingen Variant Classification Criteria Version 2. Collection method: clinical testing. Allele origin: germline. Affected: yes. Observed: 1 variant allele.
Comment: UBR7: BP4, BP7

NM_175748.4(UBR7):c.249T>C (p.His83=)

Gene: UBR7 (ubiquitin protein ligase E3 component n-recognin 7; plus strand). Cytogenetic location: 14q32.12.
Variant type: single nucleotide variant.
Coding change: c.249T>C on transcript NM_175748.4 (MANE Select); coding-DNA position 249, T replaced by C.
Protein change: p.His83=; no amino-acid change (histidine 83 retained).
Molecular consequence: synonymous variant.
Genome position (GRCh38, 1-based): chr14:93,209,922, T>C. VCF-style: chr14-93209922-T-C. GRCh37 (hg19) VCF-style: chr14-93676268-T-C.
Other names: c.-205T>C (NM_018108.2).
Identifiers: ClinVar variation 2644472 (VCV002644472.24), dbSNP rs138426899, ClinGen allele CA7319788.